The following is an entry in ClinVar:

ClinVar aggregate classification (germline): Conflicting classifications of pathogenicity. Review status: criteria provided, conflicting classifications (1 of 4 stars). 2 submissions from 2 submitters: Uncertain significance (1); Likely benign (1). Last evaluated 2025-08-25.

Conditions:
Inborn genetic diseases. Identifiers: MedGen C0950123, MeSH D030342.

Allele frequency attached by ClinVar (database versions not stated): gnomAD 0.00001; TOPMed 0.00001.
gnomAD v4.1: 32 of 1,613,500 alleles (0.002%); highest among the groups gnomAD compares: Non-Finnish European, 0.0025%; no homozygotes.

Submissions (2):

Ambry Genetics
Classification: Likely benign for Inborn genetic diseases. Last evaluated: 2025-08-25. Review status: criteria provided, single submitter. Criteria: Ambry Variant Classification Scheme 2023. Collection method: clinical testing. Allele origin: germline.

Labcorp Genetics (formerly Invitae), Labcorp
Classification: Uncertain significance. Last evaluated: 2024-11-05. Review status: criteria provided, single submitter. Criteria: Invitae Variant Classification Sherloc (09022015). Collection method: clinical testing. Allele origin: germline.
Comment: This sequence change replaces aspartic acid, which is acidic and polar, with glutamic acid, which is acidic and polar, at codon 1952 of the LRP2 protein (p.Asp1952Glu). This variant is present in population databases (no rsID available, gnomAD 0.007%). This variant has not been reported in the literature in individuals affected with LRP2-related conditions. ClinVar contains an entry for this variant (Variation ID: 1476065). Invitae Evidence Modeling of protein sequence and biophysical properties (such as structural, functional, and spatial information, amino acid conservation, physicochemical variation, residue mobility, and thermodynamic stability) indicates that this missense variant is not expected to disrupt LRP2 protein function with a negative predictive value of 95%. In summary, the available evidence is currently insufficient to determine the role of this variant in disease. Therefore, it has been classified as a Variant of Uncertain Significance.

NM_004525.3(LRP2):c.5856T>G (p.Asp1952Glu)

Gene: LRP2 (LDL receptor related protein 2; minus strand). Cytogenetic location: 2q31.1.
Variant type: single nucleotide variant.
Coding change: c.5856T>G on transcript NM_004525.3 (MANE Select); coding-DNA position 5856, T replaced by G.
Protein change: p.Asp1952Glu; replaces aspartic acid 1952 with glutamic acid.
Molecular consequence: missense variant.
Genome position (GRCh38, 1-based): chr2:169,213,841, A>C on the plus strand (T>G on the coding strand, the complement: LRP2 is on the minus strand). VCF-style: chr2-169213841-A-C. GRCh37 (hg19) VCF-style: chr2-170070351-A-C.
Other names: c.5856T>G (NM_004525.2); short protein forms D1952E.
Identifiers: ClinVar variation 1476065 (VCV001476065.7), dbSNP rs923086526, ClinGen allele CA59901149.